The following is an entry in ClinVar:

ClinVar aggregate classification (germline): Uncertain significance (1 of 4 stars; one submission).

Conditions:
Muscle AMP deaminase deficiency (MMDD). Also called: Myoadenylate deaminase deficiency, myopathy due to; Adenosine monophosphate deaminase 1 deficiency; AMP deaminase 1 deficiency; Adenosine Monophosphate Deaminase 1; AMPD1 DEFICIENCY; ADENOSINE MONOPHOSPHATE DEAMINASE-1 DEFICIENCY, MYOPATHY DUE TO. Identifiers: Orphanet 45, MedGen C3714933, MONDO:0014220, OMIM 615511.

Submission:

Pittsburgh Clinical Genomics Laboratory, University of Pittsburgh Medical Center
Classification: Uncertain significance for Muscle AMP deaminase deficiency. Last evaluated: 2024-02-16. Review status: criteria provided, single submitter. Criteria: ACMG Guidelines, 2015. Collection method: clinical testing. Allele origin: germline. Inheritance: Autosomal recessive inheritance. Affected: yes.
Comment: This sequence variant is a single nucleotide substitution (G>A) at position 890 of the coding sequence of the AMPD1 gene that results in a cysteine to tyrosine amino acid change at residue 297 of the adenosine monophosphate deaminase 1 protein. This variant is absent from ClinVar and has not been observed in individuals affected by an AMPD1-related disorder in the published literature, to our knowledge. This variant is absent from the gnomAD v4.0.0 population database (0/1461784 alleles). Multiple bioinformatic tools predict that this amino acid change would be damaging, and the Cys297 residue at this position is highly conserved across the vertebrate species examined. Studies examining the functional consequence of this variant have not been published, to our knowledge. At this time, there is insufficient evidence to determine if this variant is pathogenic or benign. Therefore, we consider this a variant of uncertain significance. ACMG Criteria: PM2, PP3

NM_000036.3(AMPD1):c.890G>A (p.Cys297Tyr)

Gene: AMPD1 (adenosine monophosphate deaminase 1; minus strand). Cytogenetic location: 1p13.2.
Variant type: single nucleotide variant.
Coding change: c.890G>A on transcript NM_000036.3 (MANE Select); coding-DNA position 890, G replaced by A.
Protein change: p.Cys297Tyr; replaces cysteine 297 with tyrosine.
Molecular consequence: missense variant.
Genome position (GRCh38, 1-based): chr1:114,679,586, C>T on the plus strand (G>A on the coding strand, the complement: AMPD1 is on the minus strand). VCF-style: chr1-114679586-C-T. GRCh37 (hg19) VCF-style: chr1-115222207-C-T.
Other names: c.878G>A, p.Cys293Tyr (NM_001172626.2); short protein forms C293Y, C297Y.
Identifiers: ClinVar variation 3376351 (VCV003376351.1).